The following is an entry in ClinVar:

NM_017654.4(SAMD9):c.2030C>T (p.Ala677Val)

Gene: SAMD9 (sterile alpha motif domain containing 9; minus strand). Cytogenetic location: 7q21.2.
Variant type: single nucleotide variant.
Coding change: c.2030C>T on transcript NM_017654.4 (MANE Select); coding-DNA position 2030, C replaced by T.
Protein change: p.Ala677Val; replaces alanine 677 with valine.
Molecular consequence: missense variant.
Genome position (GRCh38, 1-based): chr7:93,104,068, G>A on the plus strand (C>T on the coding strand, the complement: SAMD9 is on the minus strand). VCF-style: chr7-93104068-G-A. GRCh37 (hg19) VCF-style: chr7-92733381-G-A.
Other names: c.2030C>T, p.Ala677Val (NM_001193307.2); short protein forms A677V.
Identifiers: ClinVar variation 3437079 (VCV003437079.1).

ClinVar aggregate classification (germline): Uncertain significance (1 of 4 stars; one submission).

Conditions:
Inborn genetic diseases. Identifiers: MedGen C0950123, MeSH D030342.

Submission:

Ambry Genetics
Classification: Uncertain significance for Inborn genetic diseases. Last evaluated: 2024-12-04. Review status: criteria provided, single submitter. Criteria: Ambry Variant Classification Scheme 2023. Collection method: clinical testing. Allele origin: germline.
Comment: The p.A677V variant (also known as c.2030C>T), located in coding exon 1 of the SAMD9 gene, results from a C to T substitution at nucleotide position 2030. The alanine at codon 677 is replaced by valine, an amino acid with similar properties. This amino acid position is conserved. In addition, this alteration is predicted to be tolerated by in silico analysis. Based on the available evidence, the clinical significance of this variant remains unclear.